The following is an entry in ClinVar:

NM_000023.4(SGCA):c.341A>T (p.Asp114Val)

Gene: SGCA (sarcoglycan alpha; plus strand). Cytogenetic location: 17q21.33.
Variant type: single nucleotide variant.
Coding change: c.341A>T on transcript NM_000023.4 (MANE Select); coding-DNA position 341, A replaced by T.
Protein change: p.Asp114Val; replaces aspartic acid 114 with valine.
Molecular consequence: missense variant. On other transcripts: non-coding transcript variant (1).
Genome position (GRCh38, 1-based): chr17:50,167,975, A>T. VCF-style: chr17-50167975-A-T. GRCh37 (hg19) VCF-style: chr17-48245336-A-T.
Other names: c.341A>T, p.Asp114Val (NM_001135697.3); short protein forms D114V.
Identifiers: ClinVar variation 4738240 (VCV004738240.1).

ClinVar aggregate classification (germline): Uncertain significance (1 of 4 stars; one submission).

Conditions:
Autosomal recessive limb-girdle muscular dystrophy type 2D (LGMDR3). Also called: ADHALINOPATHY, PRIMARY; MUSCULAR DYSTROPHY, LIMB-GIRDLE, AUTOSOMAL RECESSIVE 3; DUCHENNE-LIKE AUTOSOMAL RECESSIVE MUSCULAR DYSTROPHY, TYPE 2. Identifiers: Orphanet 62, MedGen C2936332, MONDO:0011968, OMIM 608099. Disease mechanism: Affects gamma-sarcoglycan and also disrupts the integrity of the entire sarcoglycan complex..

gnomAD v4.1: 14 of 1,614,074 alleles (0.00087%); highest among the groups gnomAD compares: South Asian, 0.015%; 1 homozygote.

Submission:

Labcorp Genetics (formerly Invitae), Labcorp
Classification: Uncertain significance for Autosomal recessive limb-girdle muscular dystrophy type 2D. Last evaluated: 2025-07-13. Review status: criteria provided, single submitter. Criteria: Invitae Variant Classification Sherloc (09022015). Collection method: clinical testing. Allele origin: germline.
Comment: This sequence change replaces aspartic acid, which is acidic and polar, with valine, which is neutral and non-polar, at codon 114 of the SGCA protein (p.Asp114Val). This variant is present in population databases (rs749097695, gnomAD 0.01%). This variant has not been reported in the literature in individuals affected with SGCA-related conditions. Invitae Evidence Modeling of protein sequence and biophysical properties (such as structural, functional, and spatial information, amino acid conservation, physicochemical variation, residue mobility, and thermodynamic stability) indicates that this missense variant is expected to disrupt SGCA protein function with a positive predictive value of 95%. In summary, the available evidence is currently insufficient to determine the role of this variant in disease. Therefore, it has been classified as a Variant of Uncertain Significance.